The following is an entry in ClinVar:

ClinVar aggregate classification (germline): Uncertain significance (1 of 4 stars; one submission).

Conditions:
Leigh syndrome (NULS). Also called: Leigh's necrotizing encephalopathy; Leigh's disease; Leigh's syndrome; LEIGH SYNDROME, NUCLEAR; Leigh Syndrome (mtDNA deletion); Leigh Disease. Identifiers: Orphanet 506, MedGen C2931891, MONDO:0009723, OMIM 256000.

Submission:

Wong Mito Lab, Molecular and Human Genetics, Baylor College of Medicine
Classification: Uncertain significance for Leigh syndrome. Last evaluated: 2019-10-17. Review status: criteria provided, single submitter. Criteria: Modified ACMG Guidelines (Unpublished). Collection method: clinical testing. Allele origin: germline.
Comment: The NC_012920.1:m.15233T>G (YP_003024038.1:p.Trp163Gly) variant in MTCYB gene is interpretated to be a Uncertain Significance variant based on the modified ACMG guidelines (unpublished). This variant meets the following evidence codes: PP7

NC_012920.1(MT-CYB):m.15233T>G

Gene: MT-CYB (mitochondrially encoded cytochrome b; plus strand).
Variant type: single nucleotide variant.
Genome position: chrM-15233-T-G.
Identifiers: ClinVar variation 693848 (VCV000693848.1), dbSNP rs1603225163, ClinGen allele CA913173312.